The following is an entry in ClinVar:

ClinVar aggregate classification (germline): Uncertain significance (1 of 4 stars; one submission).

Submission:

GeneDx
Classification: Uncertain significance. Last evaluated: 2023-12-13. Review status: criteria provided, single submitter. Criteria: GeneDx Variant Classification Process June 2021. Collection method: clinical testing. Allele origin: germline. Affected: yes.
Comment: Not observed at significant frequency in large population cohorts (gnomAD); In silico analysis supports that this missense variant does not alter protein structure/function; Has not been previously published as pathogenic or benign to our knowledge

NM_001318510.2(ACSL4):c.1981A>C (p.Lys661Gln)

Gene: ACSL4 (acyl-CoA synthetase long chain family member 4; minus strand). Cytogenetic location: Xq23.
Variant type: single nucleotide variant.
Coding change: c.1981A>C on transcript NM_001318510.2 (MANE Select); coding-DNA position 1981, A replaced by C.
Protein change: p.Lys661Gln; replaces lysine 661 with glutamine.
Molecular consequence: missense variant.
Genome position (GRCh38, 1-based): chrX:109,644,061, T>G on the plus strand (A>C on the coding strand, the complement: ACSL4 is on the minus strand). VCF-style: chrX-109644061-T-G. GRCh37 (hg19) VCF-style: chrX-108887290-T-G.
Other names: c.2104A>C, p.Lys702Gln (NM_001318509.2, NM_022977.3); c.1981A>C, p.Lys661Gln (NM_004458.3); short protein forms K661Q, K702Q.
Identifiers: ClinVar variation 3365651 (VCV003365651.1).